The following is an entry in ClinVar:

ClinVar aggregate classification (germline): Pathogenic. Review status: criteria provided, single submitter (1 of 4 stars). 2 submissions from 2 submitters: Pathogenic (1). 1 of the submissions does not count toward it. Last evaluated 2020-05-12.

Conditions:
TH-deficient dopa-responsive dystonia. Also called: DYT-TH; Tyrosine Hydroxylase-Deficient Dopa-Responsive Dystonia; Segawa syndrome, autosomal recessive. Identifiers: Orphanet 101150, MedGen C2673535, MONDO:0011551, OMIM 605407.

Submissions (2):

Labcorp Genetics (formerly Invitae), Labcorp
Classification: Pathogenic for TH-deficient dopa-responsive dystonia. Last evaluated: 2020-05-12. Review status: criteria provided, single submitter. Criteria: Invitae Variant Classification Sherloc (09022015). Collection method: clinical testing. Allele origin: germline.
Comment: For these reasons, this variant has been classified as Pathogenic. Loss-of-function variants in TH are known to be pathogenic (PMID: 22264700, 24753243). This variant has not been reported in the literature in individuals with TH-related conditions. ClinVar contains an entry for this variant (Variation ID: 557508). This variant is not present in population databases (ExAC no frequency). This sequence change creates a premature translational stop signal (p.Ser425Leufs*10) in the TH gene. It is expected to result in an absent or disrupted protein product.

Counsyl
Classification: Likely pathogenic for TH-deficient dopa-responsive dystonia. Last evaluated: 2018-04-02. Review status: no assertion criteria provided. Collection method: clinical testing. Allele origin: unknown. Not counted in ClinVar's aggregate classification.

Literature cited by the submitters: PubMed 22264700 (cited by Labcorp Genetics (formerly Invitae), Labcorp); PubMed 24753243 (cited by Labcorp Genetics (formerly Invitae), Labcorp).

NM_000360.4(TH):c.1176_1180del (p.Ser394fs)

Gene: TH (tyrosine hydroxylase; minus strand). Cytogenetic location: 11p15.5.
Variant type: Deletion.
Coding change: c.1176_1180del on transcript NM_000360.4 (MANE Select); coding-DNA positions 1176 to 1180, 5 bases deleted (GCTGT; older notation c.1176_1180delGCTGT).
Protein change: p.Ser394fs; shifts the reading frame from serine 394.
Molecular consequence: frameshift variant.
Genome position (GRCh38, 1-based): chr11:2,165,688-2,165,692, ACAGC deleted on the plus strand (GCTGT on the coding strand, the reverse complement: TH is on the minus strand); deleting any 5 consecutive bases within chr11:2,165,688-2,165,693 gives the same sequence; the c. name uses the placement nearest the transcript's 3' end. VCF-style (leftmost placement, unchanged base first): chr11-2165687-GACAGC-G. GRCh37 (hg19) VCF-style: chr11-2186917-GACAGC-G.
Other names: c.1269_1273del, p.Ser425fs (NM_199292.3); c.1257_1261del, p.Ser421fs (NM_199293.3); short protein forms S394fs, S421fs, S425fs.
Identifiers: ClinVar variation 557508 (VCV000557508.8), dbSNP rs1554922593, ClinGen allele CA658821335.
Genomic context (GRCh38, chr11:2,165,687, plus strand): 5'-CTGCCCCTCTGCTGGGGGCTGCAGCAAGGAGAGACTCTCACCAGGAGCTCCCCGTAGGAG[GACAGC>G]AGCCCGGCACCATAGGCCTTCACCTCCCCGTTCTGCTTACACAGCCCGAACTCCACCGTG-3'